The following is an entry in ClinVar:

NM_007315.4(STAT1):c.541+4A>G

Gene: STAT1 (signal transducer and activator of transcription 1; minus strand). Cytogenetic location: 2q32.2.
Variant type: single nucleotide variant.
Coding change: c.541+4A>G on transcript NM_007315.4 (MANE Select); 4 bases into the intron after coding-DNA position 541, A replaced by G.
Molecular consequence: intron variant.
Genome position (GRCh38, 1-based): chr2:190,999,622, T>C on the plus strand (A>G on the coding strand, the complement: STAT1 is on the minus strand). VCF-style: chr2-190999622-T-C. GRCh37 (hg19) VCF-style: chr2-191864348-T-C.
Other names: c.451+4A>G (NM_001384890.1); c.534+4A>G (NM_001384883.1); c.541+4A>G (NM_001384885.1, NM_001384887.1, NM_001384880.1 and 5 more transcripts); c.577+4A>G (NM_001384891.1); c.547+4A>G (NM_001384884.1, NM_001384881.1).
Identifiers: ClinVar variation 1401947 (VCV001401947.6), dbSNP rs763122792, ClinGen allele CA2030212.
Genomic context (GRCh38, chr2:190,999,622, plus strand): 5'-CGTTATCTAGTGTGAACAGAAAAAATTGCAGCCAACGGGCACCACTTCAGTTGTGAACCC[T>C]TACCTCTGTTCTGCAAGGTTTTGCATTTGAAGTCATATTCATCTTGTAAATCTTCCAGGC-3'

ClinVar aggregate classification (germline): Uncertain significance (1 of 4 stars; one submission).

Conditions:
Autoimmune enteropathy and endocrinopathy - susceptibility to chronic infections syndrome. Also called: Immunodeficiency 31C, autosomal dominant; Immunodeficiency 31C. Identifiers: Orphanet 391487, MedGen C3279990, MONDO:0013599, OMIM 614162.
Mendelian susceptibility to mycobacterial diseases due to partial STAT1 deficiency. Also called: IMMUNODEFICIENCY 31A, MYCOBACTERIOSIS, AUTOSOMAL DOMINANT; STAT1 DEFICIENCY, AUTOSOMAL DOMINANT; Immunodeficiency 31a. Identifiers: Orphanet 319595, MedGen C4013950, MONDO:0013956, OMIM 614892.
Immunodeficiency 31B. Also called: IMMUNODEFICIENCY 31B, MYCOBACTERIAL AND VIRAL INFECTIONS, AUTOSOMAL RECESSIVE; STAT1 DEFICIENCY, AUTOSOMAL RECESSIVE. Identifiers: Orphanet 391311, MedGen C3151088, MONDO:0013427, OMIM 613796.

Allele frequency attached by ClinVar (database versions not stated): gnomAD exomes 0.00001; TOPMed 0.00001; ExAC 0.00002.
gnomAD v4.1: 15 of 1,612,148 alleles (0.00093%); highest among the groups gnomAD compares: South Asian, 0.015%; no homozygotes.

Submission:

Labcorp Genetics (formerly Invitae), Labcorp
Classification: Uncertain significance for Mendelian susceptibility to mycobacterial diseases due to partial STAT1 deficiency; Immunodeficiency 31B; Autoimmune enteropathy and endocrinopathy - susceptibility to chronic infections syndrome. Last evaluated: 2020-11-18. Review status: criteria provided, single submitter. Criteria: Invitae Variant Classification Sherloc (09022015). Collection method: clinical testing. Allele origin: germline.
Comment: This sequence change falls in intron 7 of the STAT1 gene. It does not directly change the encoded amino acid sequence of the STAT1 protein. It affects a nucleotide within the consensus splice site of the intron. This variant is present in population databases (rs763122792, ExAC 0.01%). This variant has not been reported in the literature in individuals with STAT1-related conditions. Nucleotide substitutions within the consensus splice site are a relatively common cause of aberrant splicing (PMID: 17576681, 9536098). Algorithms developed to predict the effect of sequence changes on RNA splicing suggest that this variant may disrupt the consensus splice site, but this prediction has not been confirmed by published transcriptional studies. In summary, the available evidence is currently insufficient to determine the role of this variant in disease. Therefore, it has been classified as a Variant of Uncertain Significance.

Literature cited by the submitters: PubMed 17576681; PubMed 9536098.